The following is an entry in ClinVar:

ClinVar aggregate classification (germline): Pathogenic (1 of 4 stars; one submission).

Submission:

ISCA site 4
Classification: Pathogenic. Last evaluated: 2011-08-12. Review status: criteria provided, single submitter. Criteria: Kaminsky et al. (Genet Med. 2011). Collection method: clinical testing. Allele origin: unknown. Affected: yes. Observed: 1 variant allele.
Comment: Copy number variation identified through the course of routine clinical cytogenomic testing in postnatal populations. Clinical assertions have been curated as described in Kaminsky et al. 2011.

GRCh38/hg38 9p23-22.2(chr9:9661633-18034356)x1

Genes: BNC2-AS1 (BNC2 antisense RNA 1; plus strand), SH3GL2 (SH3 domain containing GRB2 like 2, endophilin A1; plus strand), SNAPC3 (small nuclear RNA activating complex polypeptide 3; plus strand), SNORD137 (small nucleolar RNA, C/D box 137; minus strand), TRH-GTG1-6 (tRNA-His (anticodon GTG) 1-6; minus strand) and 66 more. Cytogenetic location: 9p23-22.2.
Variant type: copy number loss.
Change: copy number 1 (one copy instead of two) of chr9:9,661,633-18,034,356 (8.37 Mb, GRCh38 coordinates, 1-based), cytogenetic band 9p23-22.2.
Identifiers: ClinVar variation 57009 (VCV000057009.1).